The following is an entry in ClinVar:

ClinVar aggregate classification (germline): Likely pathogenic (1 of 4 stars; one submission).

Conditions:
Abnormal anterior eye segment morphology. Identifiers: MedGen C4025355, HP:0004328.

Submission:

Genetics Department, University Hospital of Toulouse
Classification: Likely pathogenic for Abnormal anterior eye segment morphology. Last evaluated: 2022-10-15. Review status: criteria provided, single submitter. Criteria: ACMG Guidelines, 2015. Collection method: clinical testing. Allele origin: germline. Affected: yes.
Comment: LP (PVS1, PM2).

NM_015692.5(CPAMD8):c.1691dup (p.Arg565fs)

Gene: CPAMD8 (C3 and PZP like alpha-2-macroglobulin domain containing 8; minus strand). Cytogenetic location: 19p13.11.
Variant type: Duplication.
Coding change: c.1691dup on transcript NM_015692.5 (MANE Select); coding-DNA position 1691, one base duplicated (T; older notation c.1691dupT).
Protein change: p.Arg565fs; shifts the reading frame from arginine 565.
Molecular consequence: frameshift variant.
Genome position (GRCh38, 1-based): chr19:16,977,435, A duplicated on the plus strand (T on the coding strand, the reverse complement: CPAMD8 is on the minus strand). VCF-style (leftmost placement, unchanged base first): chr19-16977434-G-GA. GRCh37 (hg19) VCF-style: chr19-17088244-G-GA.
Other names: short protein forms R565fs.
Identifiers: ClinVar variation 1710323 (VCV001710323.1), dbSNP rs2513247583, ClinGen allele CA2580096739.
Genomic context (GRCh38, chr19:16,977,434, plus strand): 5'-TTCGAAGAAGGTCTCGACTGCAAACTGAAGGCTGTCGGCGACCCCTTCTCCATTCTCCCT[G>GA]ACGTAGAAGACCAGCAGGCGACCAAGGGGGACCATGCTGGGGGTCACGGCCAGATGAAGA-3'